The following is an entry in ClinVar:

ClinVar aggregate classification (germline): Uncertain significance (1 of 4 stars; one submission).

Conditions:
Cone-rod dystrophy 2 (CORD2). Also called: CONE-ROD RETINAL DYSTROPHY; Cone-rod retinal dystrophy 2. Identifiers: Orphanet 1872, MedGen C3489532, MONDO:0007362, OMIM 120970.
Leber congenital amaurosis 7 (LCA7). Identifiers: Orphanet 65, MedGen C3151192, MONDO:0013449, OMIM 613829.

Submission:

Labcorp Genetics (formerly Invitae), Labcorp
Classification: Uncertain significance for Cone-rod dystrophy 2; Leber congenital amaurosis 7. Last evaluated: 2022-10-28. Review status: criteria provided, single submitter. Criteria: Invitae Variant Classification Sherloc (09022015). Collection method: clinical testing. Allele origin: germline.
Comment: This variant is not present in population databases (gnomAD no frequency). In summary, the available evidence is currently insufficient to determine the role of this variant in disease. Therefore, it has been classified as a Variant of Uncertain Significance. Algorithms developed to predict the effect of sequence changes on RNA splicing suggest that this variant is not likely to affect RNA splicing. ClinVar contains an entry for this variant (Variation ID: 1496893). This variant has been observed in individual(s) with retinal dystrophy (Invitae). This sequence change affects codon 20 of the CRX mRNA. It is a 'silent' change, meaning that it does not change the encoded amino acid sequence of the CRX protein.

NM_000554.6(CRX):c.60C>G (p.Gly20=)

Gene: CRX (cone-rod homeobox; plus strand). Cytogenetic location: 19q13.33.
Variant type: single nucleotide variant.
Coding change: c.60C>G on transcript NM_000554.6 (MANE Select); coding-DNA position 60, C replaced by G.
Protein change: p.Gly20=; no amino-acid change (glycine 20 retained).
Molecular consequence: synonymous variant.
Genome position (GRCh38, 1-based): chr19:47,834,503, C>G. VCF-style: chr19-47834503-C-G. GRCh37 (hg19) VCF-style: chr19-48337760-C-G.
Identifiers: ClinVar variation 1496893 (VCV001496893.8), dbSNP rs769017861, ClinGen allele CA309207353.